The following is an entry in ClinVar:

NM_025219.3(DNAJC5):c.75C>T (p.Asn25=)

Gene: DNAJC5 (DnaJ heat shock protein family (Hsp40) member C5; plus strand). Cytogenetic location: 20q13.33.
Variant type: single nucleotide variant.
Coding change: c.75C>T on transcript NM_025219.3 (MANE Select); coding-DNA position 75, C replaced by T.
Protein change: p.Asn25=; no amino-acid change (asparagine 25 retained).
Molecular consequence: synonymous variant.
Genome position (GRCh38, 1-based): chr20:63,928,420, C>T. VCF-style: chr20-63928420-C-T. GRCh37 (hg19) VCF-style: chr20-62559773-C-T.
Identifiers: ClinVar variation 290991 (VCV000290991.57), dbSNP rs189308547, ClinGen allele CA9969630.
Genomic context (GRCh38, chr20:63,928,420, plus strand): 5'-ACAGCGCTCACTGTCTACCTCTGGGGAGTCATTGTACCACGTCCTTGGGTTGGACAAGAA[C>T]GCAACCTCAGATGACATTAAAAAGTCCTATCGGTAAGTGGACAAGTGTGGCCCCCACATC-3'
Protein context (NP_079495.1, residues 15-35): SLYHVLGLDK[Asn25=]ATSDDIKKSY

ClinVar aggregate classification (germline): Conflicting classifications of pathogenicity. Review status: criteria provided, conflicting classifications (1 of 4 stars). 5 submissions from 5 submitters: Uncertain significance (1); Benign (1); Likely benign (3). Last evaluated 2026-01-19.

Conditions:
Inborn genetic diseases. Identifiers: MedGen C0950123, MeSH D030342.
Neuronal ceroid lipofuscinosis. Also called: Neuronal Ceroid Lipofuscinoses. Identifiers: Orphanet 216, Orphanet 79263, MedGen C0027877, MONDO:0016295. Disease mechanism: loss of function.

Allele frequency attached by ClinVar (database versions not stated): ESP Exome Variant Server 0.00008; gnomAD 0.00010 and 0.00011; TOPMed 0.00012; ExAC 0.00014; 1000 Genomes Project 30x 0.00016; gnomAD exomes 0.00017; 1000 Genomes Project 0.00020.
gnomAD v4.1: 134 of 1,614,076 alleles (0.0083%); highest among the groups gnomAD compares: East Asian, 0.14%; 1 homozygote.

Submissions (5):

Labcorp Genetics (formerly Invitae), Labcorp
Classification: Benign for Neuronal ceroid lipofuscinosis. Last evaluated: 2026-01-19. Review status: criteria provided, single submitter. Criteria: Invitae Variant Classification Sherloc (09022015). Collection method: clinical testing. Allele origin: germline.

Blueprint Genetics
Classification: Likely benign. Last evaluated: 2024-10-07. Review status: criteria provided, single submitter. Criteria: ACMG Guidelines, 2015. Collection method: clinical testing. Allele origin: germline.

GeneDx
Classification: Likely benign. Last evaluated: 2017-07-10. Review status: criteria provided, single submitter. Criteria: GeneDx Variant Classification (06012015). Collection method: clinical testing. Allele origin: germline. Affected: yes.
Comment: This variant is considered likely benign or benign based on one or more of the following criteria: it is a conservative change, it occurs at a poorly conserved position in the protein, it is predicted to be benign by multiple in silico algorithms, and/or has population frequency not consistent with disease.

Ambry Genetics
Classification: Likely benign for Inborn genetic diseases. Last evaluated: 2017-05-09. Review status: criteria provided, single submitter. Criteria: Ambry Variant Classification Scheme 2023. Collection method: clinical testing. Allele origin: germline.

Eurofins Ntd Llc (ga)
Classification: Uncertain significance. Last evaluated: 2016-09-22. Review status: criteria provided, single submitter. Criteria: EGL Classification Definitions 2015. Collection method: clinical testing. Allele origin: germline. Observed: 1 variant allele, 1 heterozygote.